The following is an entry in ClinVar:

NM_001044385.3(TMEM237):c.553+3dup

Gene: TMEM237 (transmembrane protein 237; minus strand). Cytogenetic location: 2q33.1.
Variant type: Duplication.
Coding change: c.553+3dup on transcript NM_001044385.3 (MANE Select); 3 bases into the intron after coding-DNA position 553, one base duplicated (A; older notation c.553+3dupA).
Molecular consequence: intron variant.
Genome position (GRCh38, 1-based): chr2:201,632,047, T duplicated on the plus strand (A on the coding strand, the reverse complement: TMEM237 is on the minus strand); the first of 2 consecutive T bases (chr2:201,632,047-201,632,048); duplicating either gives the same sequence. VCF-style (leftmost placement, unchanged base first): chr2-201632046-C-CT. GRCh37 (hg19) VCF-style: chr2-202496769-C-CT.
Other names: c.529+3dup (NM_152388.4).
Identifiers: ClinVar variation 1005527 (VCV001005527.6), dbSNP rs1957812369, ClinGen allele CA1321133855.
Genomic context (GRCh38, chr2:201,632,046, plus strand): 5'-AGTATAAAGGATATCCTTGGACAATTTTTAAAGAGTTCATATTCTAAAACAAGGCATCTA[C>CT]TTACGGCTTTTTTCCACAAATACTTTGCCTACAGGCTGGCTAATGCCAGTGGGTGCAGTG-3'

ClinVar aggregate classification (germline): Uncertain significance (1 of 4 stars; one submission).

Conditions:
Joubert syndrome 14 (JBTS14). Identifiers: MedGen C3280766, MONDO:0013745, OMIM 614424.

Submission:

Labcorp Genetics (formerly Invitae), Labcorp
Classification: Uncertain significance for Joubert syndrome 14. Last evaluated: 2020-10-19. Review status: criteria provided, single submitter. Criteria: Invitae Variant Classification Sherloc (09022015). Collection method: clinical testing. Allele origin: germline.
Comment: In summary, the available evidence is currently insufficient to determine the role of this variant in disease. Therefore, it has been classified as a Variant of Uncertain Significance. Nucleotide substitutions within the consensus splice site are a relatively common cause of aberrant splicing (PMID: 17576681, 9536098). Algorithms developed to predict the effect of sequence changes on RNA splicing suggest that this variant may disrupt the consensus splice site, but this prediction has not been confirmed by published transcriptional studies. This variant has not been reported in the literature in individuals with TMEM237-related conditions. This variant is not present in population databases (ExAC no frequency). This sequence change falls in intron 7 of the TMEM237 gene. It does not directly change the encoded amino acid sequence of the TMEM237 protein. It affects a nucleotide within the consensus splice site of the intron.

Literature cited by the submitters: PubMed 17576681; PubMed 9536098.